The following is an entry in ClinVar:

NM_014270.5(SLC7A9):c.695A>G (p.Tyr232Cys)

Gene: SLC7A9 (solute carrier family 7 member 9; minus strand). Cytogenetic location: 19q13.11.
Variant type: single nucleotide variant.
Coding change: c.695A>G on transcript NM_014270.5 (MANE Select); coding-DNA position 695, A replaced by G.
Protein change: p.Tyr232Cys; replaces tyrosine 232 with cysteine.
Molecular consequence: missense variant.
Genome position (GRCh38, 1-based): chr19:32,862,127, T>C on the plus strand (A>G on the coding strand, the complement: SLC7A9 is on the minus strand). VCF-style: chr19-32862127-T-C. GRCh37 (hg19) VCF-style: chr19-33353033-T-C.
Other names: c.695A>G, p.Tyr232Cys (NM_001126335.2, NM_001243036.2); short protein forms Y232C.
Identifiers: ClinVar variation 5791 (VCV000005791.11), dbSNP rs121908487, ClinGen allele CA117735.

ClinVar aggregate classification (germline): Conflicting classifications of pathogenicity. Review status: criteria provided, conflicting classifications (1 of 4 stars). 6 submissions from 6 submitters: Likely pathogenic (1); Uncertain significance (4). 1 of the submissions does not count toward it. Last evaluated 2025-04-12.

Conditions:
Cystinuria (CSNU). Also called: Cystinuria, non-type I; CYSTINURIA, TYPE I; CYSTINURIA, TYPE II; CYSTINURIA, TYPE III. Identifiers: Orphanet 214, MedGen C0010691, MONDO:0009067, OMIM 220100, HP:0003131.

Allele frequency attached by ClinVar (database versions not stated): gnomAD exomes 0.00011 and 0.00018; ExAC 0.00012; gnomAD 0.00012; TOPMed 0.00015.
gnomAD v4.1: 276 of 1,610,142 alleles (0.017%); highest among the groups gnomAD compares: Non-Finnish European, 0.022%; no homozygotes.

Submissions (6):

Labcorp Genetics (formerly Invitae), Labcorp
Classification: Uncertain significance. Last evaluated: 2025-04-12. Review status: criteria provided, single submitter. Criteria: Invitae Variant Classification Sherloc (09022015). Collection method: clinical testing. Allele origin: germline.
Comment: This sequence change replaces tyrosine, which is neutral and polar, with cysteine, which is neutral and slightly polar, at codon 232 of the SLC7A9 protein (p.Tyr232Cys). This variant is present in population databases (rs121908487, gnomAD 0.03%). This missense change has been observed in individual(s) with cystinuria (PMID: 15635077, 16225397, 33377691). ClinVar contains an entry for this variant (Variation ID: 5791). Invitae Evidence Modeling of protein sequence and biophysical properties (such as structural, functional, and spatial information, amino acid conservation, physicochemical variation, residue mobility, and thermodynamic stability) indicates that this missense variant is expected to disrupt SLC7A9 protein function with a positive predictive value of 80%. In summary, the available evidence is currently insufficient to determine the role of this variant in disease. Therefore, it has been classified as a Variant of Uncertain Significance.

MVZ Medizinische Genetik Mainz
Classification: Uncertain significance for Cystinuria. Last evaluated: 2024-08-27. Review status: criteria provided, single submitter. Criteria: UK Practice Guidelines For Variant Classification V4 01 2020. Collection method: clinical testing. Allele origin: germline. Inheritance: Autosomal dominant inheritance. Affected: yes. Observed: 1 variant allele.
Comment: ACMG Criteria: PP3_MOD,PM1_SUP,PM2_SUP

Fulgent Genetics
Classification: Likely pathogenic for Cystinuria. Last evaluated: 2024-06-05. Review status: criteria provided, single submitter. Criteria: ACMG Guidelines, 2015. Collection method: clinical testing. Allele origin: germline.

Department of Pathology and Laboratory Medicine, Sinai Health System
Classification: Uncertain significance for Cystinuria. Last evaluated: 2023-05-09. Review status: criteria provided, single submitter. Criteria: ACMG Guidelines, 2015. Collection method: research. Allele origin: germline.

Illumina Laboratory Services, Illumina
Classification: Uncertain significance for Cystinuria. Last evaluated: 2017-04-27. Review status: criteria provided, single submitter. Criteria: ICSL Variant Classification Criteria 13 December 2019. Collection method: clinical testing. Allele origin: germline.

OMIM
Classification: Pathogenic for CYSTINURIA. Last evaluated: 2005-01-01. Review status: no assertion criteria provided. Collection method: literature only. Allele origin: germline. Not counted in ClinVar's aggregate classification.

Literature cited by the submitters: PubMed 15635077 (cited by Labcorp Genetics (formerly Invitae), Labcorp and OMIM); PubMed 16225397 (cited by Labcorp Genetics (formerly Invitae), Labcorp); PubMed 33377691 (cited by Labcorp Genetics (formerly Invitae), Labcorp).